The following is an entry in ClinVar:

ClinVar aggregate classification (germline): Likely benign (0 of 4 stars; one submission).

Conditions:
TXNRD2-related disorder. Also called: TXNRD2-related condition.

Submission:

PreventionGenetics, part of Exact Sciences
Classification: Likely benign for TXNRD2-related condition. Last evaluated: 2022-03-22. Review status: no assertion criteria provided. Collection method: clinical testing. Allele origin: germline.
Comment: This variant is classified as likely benign based on ACMG/AMP sequence variant interpretation guidelines (Richards et al. 2015 PMID: 25741868, with internal and published modifications).

NM_006440.5(TXNRD2):c.24G>C (p.Leu8=)

Genes: COMT (catechol-O-methyltransferase; plus strand), TXNRD2 (thioredoxin reductase 2; minus strand). Cytogenetic location: 22q11.21.
Variant type: single nucleotide variant.
Coding change: c.24G>C on transcript NM_006440.5 (MANE Select); coding-DNA position 24, G replaced by C.
Protein change: p.Leu8=; no amino-acid change (leucine 8 retained).
Molecular consequence: synonymous variant. On other transcripts: non-coding transcript variant (1), 5 prime UTR variant (2).
Genome position (GRCh38, 1-based): chr22:19,941,780, C>G on the plus strand (G>C on the coding strand, the complement: TXNRD2 is on the minus strand). VCF-style: chr22-19941780-C-G. GRCh37 (hg19) VCF-style: chr22-19929303-C-G.
Other names: c.24G>C, p.Leu8= (NM_001282512.3, NM_001352300.2); c.-209C>G (NM_000754.4); c.-503C>G (NM_001362828.2).
Identifiers: ClinVar variation 3049619 (VCV003049619.2), dbSNP rs2517444980, ClinGen allele CA513370153.